The following is an entry in ClinVar:

ClinVar aggregate classification (germline): Uncertain significance (1 of 4 stars; one submission).

Conditions:
Rubinstein-Taybi syndrome (RSTS). Identifiers: Orphanet 783, MedGen C0035934, MONDO:0019188.

Allele frequency attached by ClinVar (database versions not stated): gnomAD exomes below 0.00001.
gnomAD v4.1: 4 of 1,614,074 alleles (0.00025%); highest among the groups gnomAD compares: Non-Finnish European, 0.00034%; no homozygotes.

Submission:

Labcorp Genetics (formerly Invitae), Labcorp
Classification: Uncertain significance for Rubinstein-Taybi syndrome. Last evaluated: 2022-01-08. Review status: criteria provided, single submitter. Criteria: Invitae Variant Classification Sherloc (09022015). Collection method: clinical testing. Allele origin: germline.
Comment: This sequence change replaces aspartic acid, which is acidic and polar, with asparagine, which is neutral and polar, at codon 1282 of the CREBBP protein (p.Asp1282Asn). This variant has not been reported in the literature in individuals affected with CREBBP-related conditions. This variant is present in population databases (no rsID available, gnomAD 0.0009%). Advanced modeling of protein sequence and biophysical properties (such as structural, functional, and spatial information, amino acid conservation, physicochemical variation, residue mobility, and thermodynamic stability) performed at Invitae indicates that this missense variant is not expected to disrupt CREBBP protein function. In summary, the available evidence is currently insufficient to determine the role of this variant in disease. Therefore, it has been classified as a Variant of Uncertain Significance.

NM_004380.3(CREBBP):c.3844G>A (p.Asp1282Asn)

Gene: CREBBP (CREB binding lysine acetyltransferase; minus strand). Cytogenetic location: 16p13.3.
Variant type: single nucleotide variant.
Coding change: c.3844G>A on transcript NM_004380.3 (MANE Select); coding-DNA position 3844, G replaced by A.
Protein change: p.Asp1282Asn; replaces aspartic acid 1282 with asparagine.
Molecular consequence: missense variant.
Genome position (GRCh38, 1-based): chr16:3,745,347, C>T on the plus strand (G>A on the coding strand, the complement: CREBBP is on the minus strand). VCF-style: chr16-3745347-C-T. GRCh37 (hg19) VCF-style: chr16-3795348-C-T.
Other names: c.3730G>A, p.Asp1244Asn (NM_001079846.1); short protein forms D1244N, D1282N.
Identifiers: ClinVar variation 1960285 (VCV001960285.5), dbSNP rs1452104250, ClinGen allele CA394566878.
Genomic context (GRCh38, chr16:3,745,347, plus strand): 5'-AAATGATGTCATAGTGCAGAACGCAAATCTGATGCATCTTCCGGCCACACTCCTTGCAAT[C>T]AACGAAACTAGGAGGCAAAGAAGGCGCACTGTTAAAGCACACGGAACCACAAGACCAGAG-3'
Protein context (NP_004371.2, residues 1272-1292): NDTLDPEPFV[Asp1282Asn]CKECGRKMHQ